The following is an entry in ClinVar:

NM_006939.4(SOS2):c.2453A>G (p.Asn818Ser)

Gene: SOS2 (SOS Ras/Rho guanine nucleotide exchange factor 2; minus strand). Cytogenetic location: 14q21.3.
Variant type: single nucleotide variant.
Coding change: c.2453A>G on transcript NM_006939.4 (MANE Select); coding-DNA position 2453, A replaced by G.
Protein change: p.Asn818Ser; replaces asparagine 818 with serine.
Molecular consequence: missense variant.
Genome position (GRCh38, 1-based): chr14:50,145,528, T>C on the plus strand (A>G on the coding strand, the complement: SOS2 is on the minus strand). VCF-style: chr14-50145528-T-C. GRCh37 (hg19) VCF-style: chr14-50612246-T-C.
Other names: c.2354A>G, p.Asn785Ser (NM_001411020.1); short protein forms N818S, N785S.
Identifiers: ClinVar variation 2735285 (VCV002735285.3), dbSNP rs2502917164, ClinGen allele CA389643401.

ClinVar aggregate classification (germline): Uncertain significance (1 of 4 stars; one submission).

Conditions:
Noonan syndrome 9 (NS9). Identifiers: Orphanet 648, MedGen C4225282, MONDO:0014691, OMIM 616559.

Submission:

Labcorp Genetics (formerly Invitae), Labcorp
Classification: Uncertain significance for Noonan syndrome 9. Last evaluated: 2023-07-03. Review status: criteria provided, single submitter. Criteria: Invitae Variant Classification Sherloc (09022015). Collection method: clinical testing. Allele origin: germline.
Comment: In summary, the available evidence is currently insufficient to determine the role of this variant in disease. Therefore, it has been classified as a Variant of Uncertain Significance. Advanced modeling of protein sequence and biophysical properties (such as structural, functional, and spatial information, amino acid conservation, physicochemical variation, residue mobility, and thermodynamic stability) performed at Invitae indicates that this missense variant is expected to disrupt SOS2 protein function. This variant has not been reported in the literature in individuals affected with SOS2-related conditions. This variant is not present in population databases (gnomAD no frequency). This sequence change replaces asparagine, which is neutral and polar, with serine, which is neutral and polar, at codon 818 of the SOS2 protein (p.Asn818Ser).